The following is an entry in ClinVar:

ClinVar aggregate classification (germline): Uncertain significance. Review status: criteria provided, multiple submitters, no conflicts (2 of 4 stars). 3 submissions from 3 submitters: Uncertain significance (3). Last evaluated 2024-10-30.

Conditions:
Autosomal dominant nonsyndromic hearing loss 1. Also called: KONIGSMARK SYNDROME; DEAFNESS, AUTOSOMAL DOMINANT 1, WITH OR WITHOUT THROMBOCYTOPENIA. Identifiers: Orphanet 90635, MedGen C1852282, MONDO:0007424, OMIM 124900.
Progressive microcephaly-seizures-cortical blindness-developmental delay syndrome. Also called: Seizures, cortical blindness, and microcephaly syndrome. Identifiers: Orphanet 477814, MedGen C5567650, MONDO:0014714, OMIM 616632.
Inborn genetic diseases. Identifiers: MedGen C0950123, MeSH D030342.

Allele frequency attached by ClinVar (database versions not stated): gnomAD 0.00001; gnomAD exomes 0.00002; TOPMed 0.00002.
gnomAD v4.1: 23 of 1,614,004 alleles (0.0014%); highest among the groups gnomAD compares: African/African-American, 0.0053%; no homozygotes.

Submissions (3):

Labcorp Genetics (formerly Invitae), Labcorp
Classification: Uncertain significance for Progressive microcephaly-seizures-cortical blindness-developmental delay syndrome; Autosomal dominant nonsyndromic hearing loss 1. Last evaluated: 2024-10-30. Review status: criteria provided, single submitter. Criteria: Invitae Variant Classification Sherloc (09022015). Collection method: clinical testing. Allele origin: germline.
Comment: This sequence change replaces asparagine, which is neutral and polar, with serine, which is neutral and polar, at codon 938 of the DIAPH1 protein (p.Asn938Ser). This variant is present in population databases (no rsID available, gnomAD 0.007%). This variant has not been reported in the literature in individuals affected with DIAPH1-related conditions. ClinVar contains an entry for this variant (Variation ID: 944875). An algorithm developed to predict the effect of missense changes on protein structure and function outputs the following: PolyPhen-2: "Benign". The serine amino acid residue is found in multiple mammalian species, which suggests that this missense change does not adversely affect protein function. In summary, the available evidence is currently insufficient to determine the role of this variant in disease. Therefore, it has been classified as a Variant of Uncertain Significance.

GeneDx
Classification: Uncertain significance. Last evaluated: 2024-08-02. Review status: criteria provided, single submitter. Criteria: GeneDx Variant Classification Process June 2021. Collection method: clinical testing. Allele origin: germline. Affected: yes.
Comment: Not observed at significant frequency in large population cohorts (gnomAD); In silico analysis supports that this missense variant has a deleterious effect on protein structure/function; Has not been previously published as pathogenic or benign to our knowledge

Ambry Genetics
Classification: Uncertain significance for Inborn genetic diseases. Last evaluated: 2022-10-03. Review status: criteria provided, single submitter. Criteria: Ambry Variant Classification Scheme 2023. Collection method: clinical testing. Allele origin: germline.

NM_005219.5(DIAPH1):c.2813A>G (p.Asn938Ser)

Gene: DIAPH1 (diaphanous related formin 1; minus strand). Cytogenetic location: 5q31.3.
Variant type: single nucleotide variant.
Coding change: c.2813A>G on transcript NM_005219.5 (MANE Select); coding-DNA position 2813, A replaced by G.
Protein change: p.Asn938Ser; replaces asparagine 938 with serine.
Molecular consequence: missense variant.
Genome position (GRCh38, 1-based): chr5:141,528,907, T>C on the plus strand (A>G on the coding strand, the complement: DIAPH1 is on the minus strand). VCF-style: chr5-141528907-T-C. GRCh37 (hg19) VCF-style: chr5-140908474-T-C.
Other names: c.2786A>G, p.Asn929Ser (NM_001079812.3); c.2813A>G, p.Asn938Ser (NM_001314007.2); short protein forms N938S, N929S.
Identifiers: ClinVar variation 944875 (VCV000944875.12), dbSNP rs1040008297, ClinGen allele CA128425251.